The following is an entry in ClinVar:

ClinVar aggregate classification (germline): Likely pathogenic (1 of 4 stars; one submission).

Conditions:
Predisposition to Wilms tumor.

Submission:

St. Jude Molecular Pathology, St. Jude Children's Research Hospital
Classification: Likely pathogenic for Predisposition to Wilms tumor. Last evaluated: 2026-10-01. Review status: criteria provided, single submitter. Criteria: St. Jude Assertion Criteria 2020. Collection method: clinical testing. Allele origin: germline.
Comment: The CTR9 c.958-3_958del intronic change is a four nucleotide deletion spanning the exon-intron boundary of exon 9 of the CTR9 gene. Algorit hms that predict the impact of sequence changes on splicing indicate that this change likely impacts splicing, and internal RNA data supports skipping of exon 9. A sim ilar variant impacting the splice site, c.958-2A>G, was found to co-segregate with disease in a family with Wilms tumor (PMID: 29292210). This variant is absent in gnomAD v2.1.1. In summary, this variant meets criteri a to be classified as likely pathogenic.Ã¢ € ¯

NM_014633.5(CTR9):c.958-3_958del

Gene: CTR9 (CTR9 component of Paf1/RNA polymerase II complex; plus strand). Cytogenetic location: 11p15.4.
Variant type: Deletion.
Coding change: c.958-3_958del on transcript NM_014633.5 (MANE Select); 3 bases into the intron before coding-DNA position 958 through coding-DNA position 958, 4 bases deleted (TAGG; older notation c.958-3_958delTAGG).
Molecular consequence: splice acceptor variant.
Genome position (GRCh38, 1-based): chr11:10,763,640-10,763,643, TAGG deleted. VCF-style (leftmost placement, unchanged base first): chr11-10763639-TTAGG-T. GRCh37 (hg19) VCF-style: chr11-10785186-TTAGG-T.
Other names: c.958-3_958del (NM_001346279.2).
Identifiers: ClinVar variation 5038411 (VCV005038411.1).